The following is an entry in ClinVar:

NM_002435.3(MPI):c.191_203del (p.Asn64fs)

Gene: MPI (mannose phosphate isomerase; plus strand). Cytogenetic location: 15q24.1.
Variant type: Deletion.
Coding change: c.191_203del on transcript NM_002435.3 (MANE Select); coding-DNA positions 191 to 203, 13 bases deleted (ACCGCATCTCACA).
Protein change: p.Asn64fs; shifts the reading frame from asparagine 64.
Molecular consequence: frameshift variant.
Genome position (GRCh38, 1-based): chr15:74,891,425-74,891,437, ACCGCATCTCACA deleted; deleting any 13 consecutive bases within chr15:74,891,422-74,891,437 gives the same sequence; the c. name uses the placement nearest the transcript's 3' end. VCF-style (leftmost placement, unchanged base first): chr15-74891421-GACAACCGCATCTC-G. GRCh37 (hg19) VCF-style: chr15-75183762-GACAACCGCATCTC-G.
Other names: c.191_203del, p.Asn64fs (NM_001289155.2, NM_001289157.2); c.41_53del, p.Asn14fs (NM_001289156.2); c.131_143del, p.Asn44fs (NM_001330372.2); short protein forms N14fs, N44fs, N64fs.
Identifiers: ClinVar variation 4815037 (VCV004815037.1).

ClinVar aggregate classification (germline): Likely pathogenic (1 of 4 stars; one submission).

Conditions:
MPI-congenital disorder of glycosylation. Also called: CONGENITAL DISORDER OF GLYCOSYLATION, TYPE Ib; CDG Ib; MANNOSEPHOSPHATE ISOMERASE DEFICIENCY; PROTEIN-LOSING ENTEROPATHY-HEPATIC FIBROSIS SYNDROME; MPI-CDG; MPI DEFICIENCY. Identifiers: Orphanet 79319, MedGen C1865145, MONDO:0011257, OMIM 602579.

Submission:

Natera, Inc.
Classification: Likely pathogenic for Congenital disorder of glycosylation type 1b. Last evaluated: 2024-05-06. Review status: criteria provided, single submitter. Criteria: Natera Variant Classification Schema (03/2026). Collection method: clinical testing. Allele origin: germline.
Comment: The c.191_203delACCGCATCTCACA variant in MPI is a frameshift variant predicted to shift the reading frame beginning at codon 64 and leads to a stop codon 4 codons downstream. This variant is expected to result in nonsense mediated decay, truncation, or a dysfunctional protein product. This variant is rare in the general population with a frequency below the threshold expected for the associated phenotype(s). Given the available evidence, this variant is classified as Likely Pathogenic.